The following is an entry in ClinVar:

ClinVar aggregate classification (germline): Uncertain significance (1 of 4 stars; one submission).

Conditions:
ADCY3-related disorder. Also called: ADCY3-related condition.

Submission:

PreventionGenetics, part of Exact Sciences
Classification: Uncertain significance for ADCY3-related condition. Last evaluated: 2025-08-04. Review status: criteria provided, single submitter. Criteria: ACMG Guidelines, 2015. Collection method: clinical testing. Allele origin: germline.
Comment: The ADCY3 c.3289T>C variant is predicted to result in the amino acid substitution p.Tyr1097His. To our knowledge, this variant has not been reported in the literature. This variant is reported in 0.0011% of alleles in individuals of European (Non-Finnish) descent in gnomAD. At this time, the clinical significance of this variant is uncertain due to the absence of conclusive functional and genetic evidence.

NM_004036.5(ADCY3):c.3286T>C (p.Tyr1096His)

Genes: ADCY3 (adenylate cyclase 3; minus strand), CENPO (centromere protein O; plus strand). Cytogenetic location: 2p23.3.
Variant type: single nucleotide variant.
Coding change: c.3286T>C on transcript NM_004036.5 (MANE Select); coding-DNA position 3286, T replaced by C.
Protein change: p.Tyr1096His; replaces tyrosine 1096 with histidine.
Molecular consequence: missense variant. On other transcripts: 3 prime UTR variant (4), non-coding transcript variant (3).
Genome position (GRCh38, 1-based): chr2:24,820,081, A>G on the plus strand (T>C on the coding strand, the complement: ADCY3 is on the minus strand). VCF-style: chr2-24820081-A-G. GRCh37 (hg19) VCF-style: chr2-25042950-A-G.
Other names: c.3289T>C, p.Tyr1097His (NM_001320613.2); c.3352T>C, p.Tyr1118His (NM_001377128.1); c.3148T>C, p.Tyr1050His (NM_001377129.1); c.*27T>C (NM_001377130.1); c.2563T>C, p.Tyr855His (NM_001377131.1); c.3286T>C, p.Tyr1096His (NM_001377132.1); c.*763A>G (NM_001199803.3, NM_001322101.2, NM_024322.4); short protein forms Y1050H, Y855H, Y1096H, Y1097H, Y1118H.
Identifiers: ClinVar variation 4999381 (VCV004999381.1).